The following is an entry in ClinVar:

ClinVar aggregate classification (germline): Uncertain significance. Review status: criteria provided, multiple submitters, no conflicts (2 of 4 stars). 3 submissions from 3 submitters: Uncertain significance (3). Last evaluated 2026-03-16.

Conditions:
TRPV4-related disorder. Also called: TRPV4-related disorders; TRPV4-related condition.

gnomAD v4.1: 4 of 1,612,160 alleles (0.00025%); highest among the groups gnomAD compares: Non-Finnish European, 0.00034%; no homozygotes.

Submissions (3):

GeneDx
Classification: Uncertain significance. Last evaluated: 2026-03-16. Review status: criteria provided, single submitter. Criteria: GeneDx Variant Classification Process June 2021. Collection method: clinical testing. Allele origin: germline.
Comment: Not observed at significant frequency in large population cohorts (gnomAD); In silico analysis suggests that this missense variant does not alter protein structure/function; Has not been previously published as pathogenic or benign to our knowledge

PreventionGenetics, part of Exact Sciences
Classification: Uncertain significance for TRPV4-related condition. Last evaluated: 2025-11-03. Review status: criteria provided, single submitter. Criteria: ACMG Guidelines, 2015. Collection method: clinical testing. Allele origin: germline.
Comment: The TRPV4 c.394C>G variant is predicted to result in the amino acid substitution p.Pro132Ala. To our knowledge, this variant has not been reported in the literature. This variant is reported in 0.0018% of alleles in individuals of European (Non-Finnish) descent in gnomAD. At this time, the clinical significance of this variant is uncertain due to the absence of conclusive functional and genetic evidence.

Dasa
Classification: Uncertain significance. Last evaluated: 2024-06-10. Review status: criteria provided, single submitter. Criteria: DASA Assertion Criteria. Collection method: clinical testing. Allele origin: germline.
Comment: NM_021625.5(TRPV4):c.394C>G (p.Pro132Ala) is a missense variant that results in the substitution of proline with alanine. This variant is rare in population databases. Computational prediction algorithms are consistent with a benign effect. The currently available literature and clinical evidence are not sufficient to establish a definitive association between this variant and the reported condition. Therefore, this variant is classified as a variant of uncertain significance.

NM_021625.5(TRPV4):c.394C>G (p.Pro132Ala)

Gene: TRPV4 (transient receptor potential cation channel subfamily V member 4; minus strand). Cytogenetic location: 12q24.11.
Variant type: single nucleotide variant.
Coding change: c.394C>G on transcript NM_021625.5 (MANE Select); coding-DNA position 394, C replaced by G.
Protein change: p.Pro132Ala; replaces proline 132 with alanine.
Molecular consequence: missense variant.
Genome position (GRCh38, 1-based): chr12:109,808,461, G>C on the plus strand (C>G on the coding strand, the complement: TRPV4 is on the minus strand). VCF-style: chr12-109808461-G-C. GRCh37 (hg19) VCF-style: chr12-110246266-G-C.
Other names: c.394C>G, p.Pro132Ala (NM_001177428.2, NM_001177433.2, NM_147204.3); c.292C>G, p.Pro98Ala (NM_001177431.2); short protein forms P132A, P98A.
Identifiers: ClinVar variation 4882823 (VCV004882823.4).
Genomic context (GRCh38, chr12:109,808,461, plus strand): 5'-GCCGGTTGAAGACTTTGAGGATGGGGGGCGGCTGAGGGGCAGGGGCTTTGGGGCTCTGCG[G>C]CTGCTTCCTGGAGGAGGTAGGGAGGCAAGTTGATGGGAGGGCTCATCCCCTGCCTGCCCC-3'
Protein context (NP_067638.3, residues 122-142): RWRKKIIEKQ[Pro132Ala]QSPKAPAPQP